The following is an entry in ClinVar:

NM_170707.4(LMNA):c.911C>G (p.Ala304Gly)

Gene: LMNA (lamin A/C; plus strand). Cytogenetic location: 1q22.
Variant type: single nucleotide variant.
Coding change: c.911C>G on transcript NM_170707.4 (MANE Select); coding-DNA position 911, C replaced by G.
Protein change: p.Ala304Gly; replaces alanine 304 with glycine.
Molecular consequence: missense variant.
Genome position (GRCh38, 1-based): chr1:156,135,287, C>G. VCF-style: chr1-156135287-C-G. GRCh37 (hg19) VCF-style: chr1-156105078-C-G.
Other names: c.911C>G, p.Ala304Gly (NM_170708.4, NM_001282625.2, NM_001282626.2 and 6 more transcripts); c.575C>G, p.Ala192Gly (NM_001257374.3, NM_001406989.1, NM_001406998.1); c.668C>G, p.Ala223Gly (NM_001282624.2, NM_001406986.1, NM_001406987.1); c.614C>G, p.Ala205Gly (NM_001406988.1); c.353C>G, p.Ala118Gly (NM_001406990.1, NM_001406993.1, NM_001406995.1 and 4 more transcripts); c.247C>G, p.Pro83Ala (NM_001406994.1, NM_001406999.1, NM_001407000.1 and 1 more transcripts); short protein forms A118G, A192G, A205G, A223G, A304G, P83A.
Identifiers: ClinVar variation 4799960 (VCV004799960.1).
Genomic context (GRCh38, chr1:156,135,287, plus strand): 5'-TGGTGGGGGCTGCCCACGAGGAGCTGCAGCAGTCGCGCATCCGCATCGACAGCCTCTCTG[C>G]CCAGCTCAGCCAGCTCCAGAAGCAGGTGATACCCCACCTCACCCCTCTCTCCAGGGGCCT-3'
Protein context (NP_733821.1, residues 294-314): QSRIRIDSLS[Ala304Gly]QLSQLQKQLA

ClinVar aggregate classification (germline): Uncertain significance (1 of 4 stars; one submission).

Conditions:
Charcot-Marie-Tooth disease type 2. Also called: Charcot-Marie-Tooth type 2. Identifiers: Orphanet 64746, MedGen C0270914, MONDO:0018993.

Submission:

Labcorp Genetics (formerly Invitae), Labcorp
Classification: Uncertain significance for Charcot-Marie-Tooth disease type 2. Last evaluated: 2025-06-16. Review status: criteria provided, single submitter. Criteria: Invitae Variant Classification Sherloc (09022015). Collection method: clinical testing. Allele origin: germline.
Comment: This sequence change replaces alanine, which is neutral and non-polar, with glycine, which is neutral and non-polar, at codon 304 of the LMNA protein (p.Ala304Gly). This variant is not present in population databases (gnomAD no frequency). This variant has not been reported in the literature in individuals affected with LMNA-related conditions. Invitae Evidence Modeling of protein sequence and biophysical properties (such as structural, functional, and spatial information, amino acid conservation, physicochemical variation, residue mobility, and thermodynamic stability) indicates that this missense variant is expected to disrupt LMNA protein function with a positive predictive value of 95%. In summary, the available evidence is currently insufficient to determine the role of this variant in disease. Therefore, it has been classified as a Variant of Uncertain Significance.